The following is an entry in ClinVar:

ClinVar aggregate classification (germline): Pathogenic (1 of 4 stars; one submission).

Conditions:
Autosomal recessive nonsyndromic hearing loss 23. Identifiers: Orphanet 90636, MedGen C1836027, MONDO:0012293, OMIM 609533.

Submission:

Institute of Rare Diseases, West China Hospital, Sichuan University
Classification: Pathogenic for Autosomal recessive nonsyndromic hearing loss 23. Last evaluated: 2025-01-09. Review status: criteria provided, single submitter. Criteria: ClinGen HL ACMG Specifications v1. Collection method: research. Allele origin: germline. Affected: yes.
Comment: PVS1;PP4;PM2_Supporting

NM_001384140.1(PCDH15):c.1725del (p.Arg577fs)

Gene: PCDH15 (protocadherin related 15; minus strand). Cytogenetic location: 10q21.1.
Variant type: Deletion.
Coding change: c.1725del on transcript NM_001384140.1 (MANE Select); coding-DNA position 1725, one base deleted (C; older notation c.1725delC).
Protein change: p.Arg577fs; shifts the reading frame from arginine 577.
Molecular consequence: frameshift variant.
Genome position (GRCh38, 1-based): chr10:54,153,159, G deleted on the plus strand (C on the coding strand, the reverse complement: PCDH15 is on the minus strand). VCF-style (leftmost placement, unchanged base first): chr10-54153158-CG-C. GRCh37 (hg19) VCF-style: chr10-55912918-CG-C.
Other names: c.1740del, p.Arg582fs (NM_001142763.2, NM_001142771.2); c.1725del, p.Arg577fs (NM_001142764.2, NM_001142765.2, NM_001142766.2 and 6 more transcripts); c.1614del, p.Arg540fs (NM_001142767.2); c.1659del, p.Arg555fs (NM_001142768.2, NM_001142773.2, NM_001354404.2); c.1761delC, p.Arg589Glyfs (NM_001142769.4); c.1746del, p.Arg584fs (NM_001354411.2); short protein forms R540fs, R555fs, R577fs, R582fs, R584fs, R589fs.
Identifiers: ClinVar variation 3601609 (VCV003601609.1).